The following is an entry in ClinVar:

NM_001365276.2(TNXB):c.4820T>C (p.Phe1607Ser)

Gene: TNXB (tenascin XB; minus strand). Cytogenetic location: 6p21.33.
Variant type: single nucleotide variant.
Coding change: c.4820T>C on transcript NM_001365276.2 (MANE Select); coding-DNA position 4820, T replaced by C.
Protein change: p.Phe1607Ser; replaces phenylalanine 1607 with serine.
Molecular consequence: missense variant.
Genome position (GRCh38, 1-based): chr6:32,072,160, A>G on the plus strand (T>C on the coding strand, the complement: TNXB is on the minus strand). VCF-style: chr6-32072160-A-G. GRCh37 (hg19) VCF-style: chr6-32039937-A-G.
Other names: p.Phe1607Ser; c.4820T>C, p.Phe1607Ser (NM_019105.8); short protein forms F1607S.
Identifiers: ClinVar variation 1743363 (VCV001743363.6), dbSNP rs753860861, ClinGen allele CA3734876.
Genomic context (GRCh38, chr6:32,072,160, plus strand): 5'-TGATCTGCAGCCACGGGCACCACCTGGGGCTGCCCGTCCCTGTCCTTGTACTGAACCACA[A>G]AGGAGTCGAATTCACCCTCAGGGACTGTCCATGAGAGGCCCACAGAGTCAGGGGTTATAT-3'
Protein context (NP_001352205.1, residues 1597-1617): WTVPEGEFDS[Phe1607Ser]VVQYKDRDGQ

ClinVar aggregate classification (germline): Uncertain significance. Review status: criteria provided, multiple submitters, no conflicts (2 of 4 stars). 4 submissions from 4 submitters: Uncertain significance (4). Last evaluated 2025-06-15.

Conditions:
Cardiovascular phenotype. Identifiers: MedGen CN230736.

Allele frequency attached by ClinVar (database versions not stated): ExAC 0.00004; gnomAD exomes 0.00001.
gnomAD v4.1: 18 of 1,613,502 alleles (0.0011%); highest among the groups gnomAD compares: South Asian, 0.019%; no homozygotes.

Submissions (4):

GeneDx
Classification: Uncertain significance. Last evaluated: 2025-06-15. Review status: criteria provided, single submitter. Criteria: GeneDx Variant Classification Process June 2021. Collection method: clinical testing. Allele origin: germline. Affected: yes.
Comment: Reported with a second TNXB variant, phase unknown, in a proband with clinical features of classical-like Ehlers-Danlos syndrome (PMID: 37575646); In silico analysis supports that this missense variant has a deleterious effect on protein structure/function; This variant is associated with the following publications: (PMID: 37575646)

Ambry Genetics
Classification: Uncertain significance for Cardiovascular phenotype. Last evaluated: 2025-02-06. Review status: criteria provided, single submitter. Criteria: Ambry Variant Classification Scheme 2023. Collection method: clinical testing. Allele origin: germline.
Comment: The p.F1607S variant (also known as c.4820T>C), located in coding exon 12 of the TNXB gene, results from a T to C substitution at nucleotide position 4820. The phenylalanine at codon 1607 is replaced by serine, an amino acid with highly dissimilar properties. This amino acid position is conserved. In addition, the in silico prediction for this alteration is inconclusive. Since supporting evidence is limited at this time, the clinical significance of this alteration remains unclear.

Women's Health and Genetics/Laboratory Corporation of America, LabCorp
Classification: Uncertain significance. Last evaluated: 2024-06-11. Review status: criteria provided, single submitter. Criteria: LabCorp Variant Classification Summary - May 2015. Collection method: clinical testing. Allele origin: germline.
Comment: Variant summary: TNXB c.4820T>C (p.Phe1607Ser) results in a non-conservative amino acid change located in the Fibronectin type III (IPR003961) of the encoded protein sequence. Five of five in-silico tools predict a damaging effect of the variant on protein function. The variant allele was found at a frequency of 3.2e-05 in 248856 control chromosomes. The available data on variant occurrences in the general population are insufficient to allow any conclusion about variant significance. c.4820T>C has been reported in the literature in an compound heterozygous individuas affected with Ehlers-Danlos-like syndrome (Mirza_2023). These report(s) do not provide unequivocal conclusions about association of the variant with Ehlers-Danlos-like syndrome. To our knowledge, no experimental evidence demonstrating an impact on protein function has been reported. The following publication have been ascertained in the context of this evaluation (PMID: 37575646). ClinVar contains an entry for this variant (Variation ID: 1743363). Based on the evidence outlined above, the variant was classified as uncertain significance.

Mayo Clinic Laboratories, Mayo Clinic
Classification: Uncertain significance. Last evaluated: 2023-04-19. Review status: criteria provided, single submitter. Criteria: ACMG Guidelines, 2015. Collection method: clinical testing. Allele origin: germline. Observed: 1 variant allele.

Literature cited by the submitters: PubMed 37575646 (cited by Women's Health and Genetics/Laboratory Corporation of America, LabCorp).